The following is an entry in ClinVar:

NM_001384140.1(PCDH15):c.2751+37C>T

Gene: PCDH15 (protocadherin related 15; minus strand). Cytogenetic location: 10q21.1.
Variant type: single nucleotide variant.
Coding change: c.2751+37C>T on transcript NM_001384140.1 (MANE Select); 37 bases into the intron after coding-DNA position 2751, C replaced by T.
Molecular consequence: intron variant.
Genome position (GRCh38, 1-based): chr10:54,020,155, G>A on the plus strand (C>T on the coding strand, the complement: PCDH15 is on the minus strand). VCF-style: chr10-54020155-G-A. GRCh37 (hg19) VCF-style: chr10-55779915-G-A.
Other names: c.2751+37C>T (NM_001354420.2, NM_001354429.2, NM_001142772.2 and 5 more transcripts); c.2766+37C>T (NM_001142771.2, NM_001142763.2); c.2772+37C>T (NM_001354411.2); c.2787+37C>T (NM_001142769.3); c.2685+37C>T (NM_001354404.2, NM_001142773.2, NM_001142768.2); c.2640+37C>T (NM_001142767.2); c.2538+37C>T (NM_001142765.2).
Identifiers: ClinVar variation 262147 (VCV000262147.5), dbSNP rs3812658, ClinGen allele CA5505939.

ClinVar aggregate classification (germline): Benign. Review status: criteria provided, multiple submitters, no conflicts (2 of 4 stars). 5 submissions from 4 submitters: Benign (5). Last evaluated 2021-09-05.

Conditions:
Usher syndrome type 1F (USH1F). Also called: USHER SYNDROME, TYPE IF. Identifiers: Orphanet 231169, Orphanet 886, MedGen C1865885, MONDO:0011186, OMIM 602083.
Autosomal recessive nonsyndromic hearing loss 23. Identifiers: Orphanet 90636, MedGen C1836027, MONDO:0012293, OMIM 609533.

Allele frequency attached by ClinVar (database versions not stated): 1000 Genomes Project 30x 0.46284; gnomAD 0.59122 and 0.59606; ESP Exome Variant Server 0.59942; 1000 Genomes Project 0.46026; ExAC 0.63673; TOPMed 0.58666; gnomAD exomes 0.64696 and 0.70232.
gnomAD v4.1: 1,090,593 of 1,578,954 alleles (69%); highest among the groups gnomAD compares: Middle Eastern, 75%; 390,397 homozygotes.

Submissions (5):

Genome-Nilou Lab
Classification: Benign for Usher syndrome type 1F. Last evaluated: 2021-09-05. Review status: criteria provided, single submitter. Criteria: ACMG Guidelines, 2015. Collection method: clinical testing. Allele origin: germline. Affected: no.

Genome-Nilou Lab
Classification: Benign for Autosomal recessive nonsyndromic hearing loss 23. Last evaluated: 2021-09-05. Review status: criteria provided, single submitter. Criteria: ACMG Guidelines, 2015. Collection method: clinical testing. Allele origin: germline. Affected: no.

GeneDx
Classification: Benign. Last evaluated: 2018-06-14. Review status: criteria provided, single submitter. Criteria: GeneDx Variant Classification (06012015). Collection method: clinical testing. Allele origin: germline. Affected: yes.
Comment: This variant is considered likely benign or benign based on one or more of the following criteria: it is a conservative change, it occurs at a poorly conserved position in the protein, it is predicted to be benign by multiple in silico algorithms, and/or has population frequency not consistent with disease.

Breakthrough Genomics
Classification: Benign. Review status: criteria provided, single submitter. Criteria: ACMG Guidelines, 2015. Collection method: not provided. Allele origin: germline. Inheritance: Autosomal recessive inheritance. Affected: yes.

PreventionGenetics, part of Exact Sciences
Classification: Benign. Review status: criteria provided, single submitter. Criteria: ACMG Guidelines, 2015. Collection method: clinical testing. Allele origin: germline.